The following is an entry in ClinVar:

NM_007294.4(BRCA1):c.3211G>T (p.Glu1071Ter)

Gene: BRCA1 (BRCA1 DNA repair associated; minus strand). Cytogenetic location: 17q21.31.
Variant type: single nucleotide variant.
Coding change: c.3211G>T on transcript NM_007294.4 (MANE Select); coding-DNA position 3211, G replaced by T.
Protein change: p.Glu1071Ter; replaces glutamic acid 1071 with a stop codon.
Molecular consequence: nonsense. On other transcripts: intron variant (137).
Genome position (GRCh38, 1-based): chr17:43,092,320, C>A on the plus strand (G>T on the coding strand, the complement: BRCA1 is on the minus strand). VCF-style: chr17-43092320-C-A. GRCh37 (hg19) VCF-style: chr17-41244337-C-A.
Other names: c.2998G>T, p.Glu1000Ter (NM_001407571.1, NM_001407853.1, NM_001407894.1 and 9 more transcripts); c.3211G>T, p.Glu1071Ter (NM_001407581.1, NM_001407582.1, NM_001407583.1 and 30 more transcripts); c.3208G>T, p.Glu1070Ter (NM_001407587.1, NM_001407590.1, NM_001407591.1 and 22 more transcripts); c.3202G>T, p.Glu1068Ter (NM_001407646.1, NM_001407647.1); c.3088G>T, p.Glu1030Ter (NM_001407648.1, NM_001407664.1, NM_001407665.1 and 19 more transcripts); c.3085G>T, p.Glu1029Ter (NM_001407649.1, NM_001407670.1, NM_001407671.1 and 11 more transcripts); c.3133G>T, p.Glu1045Ter (NM_001407653.1, NM_001407654.1, NM_001407655.1 and 4 more transcripts); c.3130G>T, p.Glu1044Ter (NM_001407659.1, NM_001407660.1, NM_001407661.1 and 1 more transcripts); and 41 more; short protein forms E1024*, E1071*, E1004*, E1023*, E1044*, E960*, E1000*, E1030*.
Identifiers: ClinVar variation 971124 (VCV000971124.11), dbSNP rs41293445, ClinGen allele CA10595557.

ClinVar aggregate classification (germline): Pathogenic. Review status: criteria provided, multiple submitters, no conflicts (2 of 4 stars). 3 submissions from 3 submitters: Pathogenic (3). Last evaluated 2025-06-10.

Conditions:
Breast-ovarian cancer, familial, susceptibility to, 1 (BROVCA1). Also called: BRCA1 Hereditary Breast and Ovarian Cancer; OVARIAN CANCER, SUSCEPTIBILITY TO. Identifiers: Orphanet 145, MedGen C2676676, MONDO:0011450, OMIM 604370. Disease mechanism: loss of function.
Hereditary cancer-predisposing syndrome. Also called: Tumor predisposition; Hereditary Cancer Syndrome; Hereditary neoplastic syndrome; Neoplastic Syndromes, Hereditary. Identifiers: Orphanet 140162, MedGen C0027672, MeSH D009386, MONDO:0015356.
Hereditary breast ovarian cancer syndrome. Also called: Hereditary breast and ovarian cancer syndrome; Hereditary breast and ovarian cancer syndrome (HBOC); Breast and ovarian cancer; Hereditary breast and ovarian cancer; Hereditary breast and/or ovarian cancer syndrome; BRCA1- and BRCA2-Associated Hereditary Breast and Ovarian Cancer. Identifiers: Orphanet 145, MedGen C0677776, MeSH D061325, MONDO:0003582. Disease mechanism: loss of function.

Submissions (3):

Ambry Genetics
Classification: Pathogenic for Hereditary cancer-predisposing syndrome. Last evaluated: 2025-06-10. Review status: criteria provided, single submitter. Criteria: Ambry Variant Classification Scheme 2023. Collection method: clinical testing. Allele origin: germline.
Comment: The p.E1071* pathogenic mutation (also known as c.3211G>T), located in coding exon 9 of the BRCA1 gene, results from a G to T substitution at nucleotide position 3211. This changes the amino acid from a glutamic acid to a stop codon within coding exon 9. This alteration was identified in 4 of 2168 Turkish individuals undergoing BRCA1/2 genetic testing based on a personal and/or family history of HBOC-related cancer (Bisgin A et al. Breast, 2022 Oct;65:15-22). This variant is considered to be rare based on population cohorts in the Genome Aggregation Database (gnomAD). This alteration is expected to result in loss of function by premature protein truncation or nonsense-mediated mRNA decay. As such, this alteration is interpreted as a disease-causing mutation.

Dasa
Classification: Pathogenic for Breast-ovarian cancer, familial, susceptibility to, 1. Last evaluated: 2025-03-05. Review status: criteria provided, single submitter. Criteria: DASA Assertion Criteria. Collection method: clinical testing. Allele origin: germline.
Comment: NM_007294.4(BRCA1):c.3211G>T (p.Glu1071*) introduces a premature termination codon predicted to result in loss of normal protein function. Loss-of-function is an established mechanism of disease for this gene. The affected residue or protein region has prior evidence supporting clinical relevance. The variant is present at low frequency in population datasets. Based on the available data, this variant is classified as pathogenic.

Labcorp Genetics (formerly Invitae), Labcorp
Classification: Pathogenic for Hereditary breast ovarian cancer syndrome. Last evaluated: 2021-05-10. Review status: criteria provided, single submitter. Criteria: Invitae Variant Classification Sherloc (09022015). Collection method: clinical testing. Allele origin: germline.
Comment: This sequence change creates a premature translational stop signal (p.Glu1071*) in the BRCA1 gene. It is expected to result in an absent or disrupted protein product. Loss-of-function variants in BRCA1 are known to be pathogenic (PMID: 20104584). This variant is not present in population databases (ExAC no frequency). This variant has not been reported in the literature in individuals with BRCA1-related conditions. ClinVar contains an entry for this variant (Variation ID: 971124). For these reasons, this variant has been classified as Pathogenic.

Literature cited by the submitters: PubMed 35753294 (cited by Ambry Genetics); PubMed 20104584 (cited by Labcorp Genetics (formerly Invitae), Labcorp).